The following is an entry in ClinVar:

ClinVar aggregate classification (germline): Uncertain significance. Review status: criteria provided, multiple submitters, no conflicts (2 of 4 stars). 2 submissions from 2 submitters: Uncertain significance (2). Last evaluated 2024-12-12.

Conditions:
Donnai-Barrow syndrome. Also called: DBS/FOAR SYNDROME; FACIOOCULOACOUSTICORENAL SYNDROME. Identifiers: Orphanet 2143, MedGen C1857277, MONDO:0009104, OMIM 222448.

Submissions (2):

Labcorp Genetics (formerly Invitae), Labcorp
Classification: Uncertain significance. Last evaluated: 2024-12-12. Review status: criteria provided, single submitter. Criteria: Invitae Variant Classification Sherloc (09022015). Collection method: clinical testing. Allele origin: germline.
Comment: This sequence change replaces threonine, which is neutral and polar, with methionine, which is neutral and non-polar, at codon 1023 of the LRP2 protein (p.Thr1023Met). This variant is present in population databases (no rsID available, gnomAD 0.003%). This variant has not been reported in the literature in individuals affected with LRP2-related conditions. ClinVar contains an entry for this variant (Variation ID: 1409746). An algorithm developed to predict the effect of missense changes on protein structure and function (PolyPhen-2) suggests that this variant¬†is likely to be tolerated. In summary, the available evidence is currently insufficient to determine the role of this variant in disease. Therefore, it has been classified as a Variant of Uncertain Significance.

Fulgent Genetics
Classification: Uncertain significance for Donnai-Barrow syndrome. Last evaluated: 2024-01-26. Review status: criteria provided, single submitter. Criteria: ACMG Guidelines, 2015. Collection method: clinical testing. Allele origin: germline.

NM_004525.3(LRP2):c.3068_3069inv (p.Thr1023Met)

Gene: LRP2 (LDL receptor related protein 2; minus strand). Cytogenetic location: 2q31.1.
Variant type: Inversion.
Coding change: c.3068_3069inv on transcript NM_004525.3 (MANE Select).
Protein change: p.Thr1023Met; replaces threonine 1023 with methionine.
Molecular consequence: missense variant.
Genome position: GRCh38 VCF-style: chr2-169246826-TG-CA. GRCh37 (hg19) VCF-style: chr2-170103336-TG-CA.
Other names: c.3068_3069delinsTG (NM_004525.3); short protein forms T1023M.
Identifiers: ClinVar variation 1409746 (VCV001409746.5), ClinGen allele CA2573134043.
Genomic context (GRCh38, chr2:169,246,826, plus strand): 5'-ATAGTAATTGGGCACACATCTGCCATTTTTACAGGGGAAGGAAAATAAGCCACACTGCTC[TG>CA]TGGGTGGTTCATTGGTTGGGTCCCCCTCGCATGTCAAGTGATTGGAAGCCAGCCTCATTC-3'
Protein context (NP_004516.2, residues 1013-1033): CEGDPTNEPP[Thr1023Met]EQCGLFSFPC